The following is an entry in ClinVar:

ClinVar aggregate classification (germline): Uncertain significance. Review status: criteria provided, multiple submitters, no conflicts (2 of 4 stars). 3 submissions from 3 submitters: Uncertain significance (3). Last evaluated 2025-01-20.

Conditions:
DNAH8-related disorder. Also called: DNAH8-related condition.
Primary ciliary dyskinesia. Also called: Ciliary dyskinesia. Identifiers: Orphanet 244, MedGen C0008780, MONDO:0016575, HP:0012265.

Allele frequency attached by ClinVar (database versions not stated): ESP Exome Variant Server 0.00023; gnomAD 0.00048 and 0.00052; TOPMed 0.00057; gnomAD exomes 0.00007 and 0.00014; ExAC 0.00012.
gnomAD v4.1: 184 of 1,613,856 alleles (0.011%); highest among the groups gnomAD compares: African/African-American, 0.15%; no homozygotes.

Submissions (3):

PreventionGenetics, part of Exact Sciences
Classification: Uncertain significance for DNAH8-related condition. Last evaluated: 2025-01-20. Review status: criteria provided, single submitter. Criteria: ACMG Guidelines, 2015. Collection method: clinical testing. Allele origin: germline.
Comment: The DNAH8 c.11695C>T variant is predicted to result in the amino acid substitution p.Arg3899Trp. This variant has been reported in an individual with primary ciliary dyskinesia, who also carried several other variants in this gene, and two variants in DNAH1 (Olm et al. 2019. PubMed ID: 31213628). This variant is reported in 0.14% of alleles in individuals of African descent in gnomAD. At this time, the clinical significance of this variant is uncertain due to the absence of conclusive functional and genetic evidence.

Labcorp Genetics (formerly Invitae), Labcorp
Classification: Uncertain significance for Primary ciliary dyskinesia. Last evaluated: 2024-11-11. Review status: criteria provided, single submitter. Criteria: Invitae Variant Classification Sherloc (09022015). Collection method: clinical testing. Allele origin: germline.
Comment: This sequence change replaces arginine, which is basic and polar, with tryptophan, which is neutral and slightly polar, at codon 3899 of the DNAH8 protein (p.Arg3899Trp). This variant is present in population databases (rs138030174, gnomAD 0.1%). This missense change has been observed in individual(s) with clinical features of primary ciliary dyskinesia (PMID: 31213628). ClinVar contains an entry for this variant (Variation ID: 454541). Invitae Evidence Modeling of protein sequence and biophysical properties (such as structural, functional, and spatial information, amino acid conservation, physicochemical variation, residue mobility, and thermodynamic stability) indicates that this missense variant is expected to disrupt DNAH8 protein function with a positive predictive value of 80%. In summary, the available evidence is currently insufficient to determine the role of this variant in disease. Therefore, it has been classified as a Variant of Uncertain Significance.

GeneDx
Classification: Uncertain significance. Last evaluated: 2022-04-15. Review status: criteria provided, single submitter. Criteria: GeneDx Variant Classification Process June 2021. Collection method: clinical testing. Allele origin: germline. Affected: yes.
Comment: Identified in a patient with primary ciliary dyskinesia who also harbored variants in three other primary ciliary dyskinesia genes (Olm et al., 2019); In silico analysis supports that this missense variant has a deleterious effect on protein structure/function; This variant is associated with the following publications: (PMID: 31213628)

Literature cited by the submitters: PubMed 31213628 (cited by Labcorp Genetics (formerly Invitae), Labcorp).

NM_001206927.2(DNAH8):c.11695C>T (p.Arg3899Trp)

Genes: DNAH8 (dynein axonemal heavy chain 8; plus strand), DNAH8-AS1 (DNAH8 antisense RNA 1; minus strand). Cytogenetic location: 6p21.2.
Variant type: single nucleotide variant.
Coding change: c.11695C>T on transcript NM_001206927.2 (MANE Select); coding-DNA position 11695, C replaced by T.
Protein change: p.Arg3899Trp; replaces arginine 3899 with tryptophan.
Molecular consequence: missense variant.
Genome position (GRCh38, 1-based): chr6:38,938,105, C>T. VCF-style: chr6-38938105-C-T. GRCh37 (hg19) VCF-style: chr6-38905881-C-T.
Other names: c.11044C>T, p.Arg3682Trp (NM_001371.4); short protein forms R3899W, R3682W.
Identifiers: ClinVar variation 454541 (VCV000454541.10), dbSNP rs138030174, ClinGen allele CA3791150.